The following is an entry in ClinVar:

NM_004408.4(DNM1):c.1893+12G>A

Gene: DNM1 (dynamin 1; plus strand). Cytogenetic location: 9q34.11.
Variant type: single nucleotide variant.
Coding change: c.1893+12G>A on transcript NM_004408.4 (MANE Select); 12 bases into the intron after coding-DNA position 1893, G replaced by A.
Molecular consequence: intron variant.
Genome position (GRCh38, 1-based): chr9:128,247,498, G>A. VCF-style: chr9-128247498-G-A. GRCh37 (hg19) VCF-style: chr9-131009777-G-A.
Other names: c.1893+12G>A (NM_001005336.3, NM_001288738.2, NM_001288737.2 and 1 more transcripts).
Identifiers: ClinVar variation 385212 (VCV000385212.10), dbSNP rs376700785, ClinGen allele CA5258347.

ClinVar aggregate classification (germline): Likely benign. Review status: criteria provided, multiple submitters, no conflicts (2 of 4 stars). 3 submissions from 3 submitters: Likely benign (3). Last evaluated 2024-08-05.

Conditions:
Developmental and epileptic encephalopathy, 31A. Also called: Epileptic encephalopathy, early infantile, 31; Developmental and epileptic encephalopathy, 31. Identifiers: Orphanet 2382, MedGen C4225357, MONDO:0014598, OMIM 616346.

Allele frequency attached by ClinVar (database versions not stated): ExAC 0.00004; gnomAD exomes 0.00004 and 0.00002; gnomAD 0.00005 and 0.00006; TOPMed 0.00007; ESP Exome Variant Server 0.00008; 1000 Genomes Project 0.00020; 1000 Genomes Project 30x 0.00031.
gnomAD v4.1: 42 of 1,589,090 alleles (0.0026%); highest among the groups gnomAD compares: Middle Eastern, 0.05%; no homozygotes.

Submissions (3):

Labcorp Genetics (formerly Invitae), Labcorp
Classification: Likely benign for Developmental and epileptic encephalopathy, 31A. Last evaluated: 2024-08-05. Review status: criteria provided, single submitter. Criteria: Invitae Variant Classification Sherloc (09022015). Collection method: clinical testing. Allele origin: germline.

Blueprint Genetics
Classification: Likely benign. Last evaluated: 2024-03-04. Review status: criteria provided, single submitter. Criteria: ACMG Guidelines, 2015. Collection method: clinical testing. Allele origin: germline.

GeneDx
Classification: Likely benign. Last evaluated: 2016-04-07. Review status: criteria provided, single submitter. Criteria: GeneDx Variant Classification (06012015). Collection method: clinical testing. Allele origin: germline. Affected: yes.
Comment: This variant is considered likely benign or benign based on one or more of the following criteria: it is a conservative change, it occurs at a poorly conserved position in the protein, it is predicted to be benign by multiple in silico algorithms, and/or has population frequency not consistent with disease.